The following is an entry in ClinVar:

ClinVar aggregate classification (germline): Likely pathogenic (1 of 4 stars; one submission).

Conditions:
T-B+ severe combined immunodeficiency due to JAK3 deficiency. Also called: SCID, autosomal recessive, T-negative/B-positive type; SCID, T CELL-NEGATIVE, B CELL-POSITIVE, NK CELL-NEGATIVE. Identifiers: Orphanet 35078, MedGen C1833275, MONDO:0010938, OMIM 600802.

Submission:

Labcorp Genetics (formerly Invitae), Labcorp
Classification: Likely pathogenic for T-B+ severe combined immunodeficiency due to JAK3 deficiency. Last evaluated: 2023-11-04. Review status: criteria provided, single submitter. Criteria: Invitae Variant Classification Sherloc (09022015). Collection method: clinical testing. Allele origin: germline.
Comment: This sequence change affects an acceptor splice site in intron 20 of the JAK3 gene. It is expected to disrupt RNA splicing. Variants that disrupt the donor or acceptor splice site typically lead to a loss of protein function (PMID: 16199547), and loss-of-function variants in JAK3 are known to be pathogenic (PMID: 7481768, 11668621). This variant is not present in population databases (gnomAD no frequency). This variant has not been reported in the literature in individuals affected with JAK3-related conditions. Algorithms developed to predict the effect of sequence changes on RNA splicing suggest that this variant may disrupt the consensus splice site. In summary, the currently available evidence indicates that the variant is pathogenic, but additional data are needed to prove that conclusively. Therefore, this variant has been classified as Likely Pathogenic.

Literature cited by the submitters: PubMed 16199547; PubMed 7481768; PubMed 11668621.

NM_000215.4(JAK3):c.2806-2A>C

Gene: JAK3 (Janus kinase 3; minus strand). Cytogenetic location: 19p13.11.
Variant type: single nucleotide variant.
Coding change: c.2806-2A>C on transcript NM_000215.4 (MANE Select); the canonical splice acceptor site of the intron before coding-DNA position 2806, A replaced by C.
Molecular consequence: splice acceptor variant.
Genome position (GRCh38, 1-based): chr19:17,831,402, T>G on the plus strand (A>C on the coding strand, the complement: JAK3 is on the minus strand). VCF-style: chr19-17831402-T-G. GRCh37 (hg19) VCF-style: chr19-17942211-T-G.
Identifiers: ClinVar variation 2693187 (VCV002693187.3), dbSNP rs2514546551, ClinGen allele CA404765513.